The following is an entry in ClinVar:

NM_000742.4(CHRNA2):c.7C>G (p.Pro3Ala)

Gene: CHRNA2 (cholinergic receptor nicotinic alpha 2 subunit; minus strand). Cytogenetic location: 8p21.2.
Variant type: single nucleotide variant.
Coding change: c.7C>G on transcript NM_000742.4 (MANE Select); coding-DNA position 7, C replaced by G.
Protein change: p.Pro3Ala; replaces proline 3 with alanine.
Molecular consequence: missense variant. On other transcripts: 5 prime UTR variant (4).
Genome position (GRCh38, 1-based): chr8:27,471,052, G>C on the plus strand (C>G on the coding strand, the complement: CHRNA2 is on the minus strand). VCF-style: chr8-27471052-G-C. GRCh37 (hg19) VCF-style: chr8-27328569-G-C.
Other names: c.7C>G, p.Pro3Ala (NM_001282455.2); c.-421C>G (NM_001347705.2); c.-466C>G (NM_001347706.2); c.-407C>G (NM_001347707.2); c.-455C>G (NM_001347708.2); short protein forms P3A.
Identifiers: ClinVar variation 3698639 (VCV003698639.2).

ClinVar aggregate classification (germline): Uncertain significance (1 of 4 stars; one submission).

Conditions:
Familial sleep-related hypermotor epilepsy. Also called: Autosomal Dominant Sleep-Related Hypermotor (Hyperkinetic) Epilepsy. Identifiers: Orphanet 98784, MedGen C3696898, MONDO:0000030.

gnomAD v4.1: 26 of 1,613,926 alleles (0.0016%); highest among the groups gnomAD compares: Non-Finnish European, 0.0022%; no homozygotes.

Submission:

Labcorp Genetics (formerly Invitae), Labcorp
Classification: Uncertain significance. Last evaluated: 2024-02-03. Review status: criteria provided, single submitter. Criteria: Invitae Variant Classification Sherloc (09022015). Collection method: clinical testing. Allele origin: germline.
Comment: This sequence change replaces proline, which is neutral and non-polar, with alanine, which is neutral and non-polar, at codon 3 of the CHRNA2 protein (p.Pro3Ala). This variant is present in population databases (rs375740892, gnomAD 0.002%). This variant has not been reported in the literature in individuals affected with CHRNA2-related conditions. Advanced modeling of protein sequence and biophysical properties (such as structural, functional, and spatial information, amino acid conservation, physicochemical variation, residue mobility, and thermodynamic stability) performed at Invitae indicates that this missense variant is not expected to disrupt CHRNA2 protein function with a negative predictive value of 95%. In summary, the available evidence is currently insufficient to determine the role of this variant in disease. Therefore, it has been classified as a Variant of Uncertain Significance.